The following is an entry in ClinVar:

ClinVar aggregate classification (germline): Likely benign (1 of 4 stars; one submission).

Allele frequency attached by ClinVar (database versions not stated): ESP Exome Variant Server 0.00028; ExAC 0.00029; TOPMed 0.00039; gnomAD 0.00048; gnomAD exomes 0.00063.
gnomAD v4.1: 743 of 1,209,817 alleles (0.061%); highest among the groups gnomAD compares: Non-Finnish European, 0.078%; no homozygotes.

Submission:

CeGaT Center for Human Genetics Tuebingen
Classification: Likely benign. Last evaluated: 2022-05-01. Review status: criteria provided, single submitter. Criteria: CeGaT Center For Human Genetics Tuebingen Variant Classification Criteria Version 2. Collection method: clinical testing. Allele origin: germline. Affected: yes. Observed: 1 variant allele.
Comment: DCAF8L1: BP4, BP7

NM_001017930.2(DCAF8L1):c.1200C>T (p.His400=)

Gene: DCAF8L1 (DDB1 and CUL4 associated factor 8 like 1; minus strand). Cytogenetic location: Xp21.3.
Variant type: single nucleotide variant.
Coding change: c.1200C>T on transcript NM_001017930.2 (MANE Select); coding-DNA position 1200, C replaced by T.
Protein change: p.His400=; no amino-acid change (histidine 400 retained).
Molecular consequence: synonymous variant.
Genome position (GRCh38, 1-based): chrX:27,980,135, G>A on the plus strand (C>T on the coding strand, the complement: DCAF8L1 is on the minus strand). VCF-style: chrX-27980135-G-A. GRCh37 (hg19) VCF-style: chrX-27998252-G-A.
Identifiers: ClinVar variation 2660217 (VCV002660217.24), dbSNP rs201645200, ClinGen allele CA10375115.
Genomic context (GRCh38, chrX:27,980,135, plus strand): 5'-AGAGGAGTTGAAGAGGTAAATATCTTCATCATTGTAGCTGGCCAGGAGCTCTGTGCCATC[G>A]TGGCTGTACACAACGCAGGTGATGTTTGTTGGGAAATCACAATAAACCAGATGATGAGGA-3'
Protein context (NP_001017930.1, residues 390-410): PTNITCVVYS[His400=]DGTELLASYN